The following is an entry in ClinVar:

ClinVar aggregate classification (germline): Uncertain significance. Review status: criteria provided, multiple submitters, no conflicts (2 of 4 stars). 2 submissions from 2 submitters: Uncertain significance (2). Last evaluated 2025-05-05.

Allele frequency attached by ClinVar (database versions not stated): gnomAD 0.00001; gnomAD exomes 0.00002 and 0.00004; TOPMed 0.00002; ExAC 0.00004; ESP Exome Variant Server 0.00008.
gnomAD v4.1: 62 of 1,613,496 alleles (0.0038%); highest among the groups gnomAD compares: Non-Finnish European, 0.005%; no homozygotes.

Submissions (2):

Labcorp Genetics (formerly Invitae), Labcorp
Classification: Uncertain significance. Last evaluated: 2025-05-05. Review status: criteria provided, single submitter. Criteria: Invitae Variant Classification Sherloc (09022015). Collection method: clinical testing. Allele origin: germline.
Comment: This sequence change replaces arginine, which is basic and polar, with histidine, which is basic and polar, at codon 622 of the PITPNM3 protein (p.Arg622His). This variant is present in population databases (rs148665666, gnomAD 0.007%). This variant has not been reported in the literature in individuals affected with PITPNM3-related conditions. ClinVar contains an entry for this variant (Variation ID: 1420636). Invitae Evidence Modeling of protein sequence and biophysical properties (such as structural, functional, and spatial information, amino acid conservation, physicochemical variation, residue mobility, and thermodynamic stability) has been performed for this missense variant. However, the output from this modeling did not meet the statistical confidence thresholds required to predict the impact of this variant on PITPNM3 protein function. In summary, the available evidence is currently insufficient to determine the role of this variant in disease. Therefore, it has been classified as a Variant of Uncertain Significance.

Blueprint Genetics
Classification: Uncertain significance. Last evaluated: 2022-11-30. Review status: criteria provided, single submitter. Criteria: ACMG Guidelines, 2015. Collection method: clinical testing. Allele origin: germline.

NM_031220.4(PITPNM3):c.1865G>A (p.Arg622His)

Gene: PITPNM3 (PITPNM family member 3; minus strand). Cytogenetic location: 17p13.2.
Variant type: single nucleotide variant.
Coding change: c.1865G>A on transcript NM_031220.4 (MANE Select); coding-DNA position 1865, G replaced by A.
Protein change: p.Arg622His; replaces arginine 622 with histidine.
Molecular consequence: missense variant.
Genome position (GRCh38, 1-based): chr17:6,468,250, C>T on the plus strand (G>A on the coding strand, the complement: PITPNM3 is on the minus strand). VCF-style: chr17-6468250-C-T. GRCh37 (hg19) VCF-style: chr17-6371570-C-T.
Other names: c.1757G>A, p.Arg586His (NM_001165966.2); short protein forms R586H, R622H.
Identifiers: ClinVar variation 1420636 (VCV001420636.7), dbSNP rs148665666, ClinGen allele CA8329363.
Genomic context (GRCh38, chr17:6,468,250, plus strand): 5'-AGTCCCAGCCACATGCGAACTGAGCATGCACGCACCCTCAGCTTGACCTGAGTCCGCTTA[C>T]GAAGCCACTTCTCCCGGGGGTTGGCAGGACTCAGTGCTGCAGGGTCCAGGCGGGCGCTTT-3'
Protein context (NP_112497.2, residues 612-632): SPANPREKWL[Arg622His]KRTQVKLRNV